The following is an entry in ClinVar:

ClinVar aggregate classification (germline): Pathogenic/Likely pathogenic. Review status: criteria provided, multiple submitters, no conflicts (2 of 4 stars). 12 submissions from 11 submitters: Pathogenic (9); Likely pathogenic (1). 2 of the submissions do not count toward it. Last evaluated 2025-10-29.

Conditions:
GNE myopathy (NM). Also called: IBM 2; Inclusion body myopathy autosomal recessive; Inclusion body myopathy quadriceps sparing; INCLUSION BODY MYOPATHY, HEREDITARY, AUTOSOMAL RECESSIVE; NONAKA DISTAL MYOPATHY; INCLUSION BODY MYOPATHY 2, AUTOSOMAL RECESSIVE. Identifiers: Orphanet 602, MedGen C1853926, MONDO:0011603, OMIM 605820.
Sialuria. Also called: SIALURIA, FRENCH TYPE; Sialic Acid Storage Disease. Identifiers: Orphanet 3166, MedGen C0342853, MONDO:0010028, OMIM 269921.
Thrombocytopenia 12 with or without myopathy (THC12). Identifiers: MedGen C5935593, MONDO:0958325, OMIM 620757.

Allele frequency attached by ClinVar (database versions not stated): TOPMed 0.00003.
gnomAD v4.1: 38 of 1,613,850 alleles (0.0024%); highest among the groups gnomAD compares: Admixed American, 0.01%; no homozygotes.

Submissions (12):

Natera, Inc.
Classification: Pathogenic for Nonaka myopathy. Last evaluated: 2025-10-29. Review status: criteria provided, single submitter. Criteria: Natera Variant Classification Schema (03/2026). Collection method: clinical testing. Allele origin: germline.
Comment: The c.1664C>T variant in GNE is a missense variant predicted to cause substitution of alanine to valine at amino acid 555. This variant is rare in the general population with a frequency below the threshold expected for the associated phenotype(s). This variant has been observed in one or more individuals affected with the associated recessive disease, as either homozygous or compound heterozygous with a second variant (PMID: 27858732, 16810679, 14707127, 12409274). Additionally, this variant has been observed to segregate in affected family members (PMID: 12409274). Functional studies show that this variant may disrupt protein function (PMID: 14707127). Computational prediction algorithms indicate this variant is likely to affect gene or protein function. Given the available evidence, this variant is classified as Pathogenic.

Women's Health and Genetics/Laboratory Corporation of America, LabCorp
Classification: Pathogenic for GNE myopathy. Last evaluated: 2025-07-01. Review status: criteria provided, single submitter. Criteria: LabCorp Variant Classification Summary - May 2015. Collection method: clinical testing. Allele origin: germline.
Comment: Variant summary: GNE c.1664C>T (p.Ala555Val) results in a non-conservative amino acid change in the encoded protein sequence. Algorithms developed to predict the effect of missense changes on protein structure and function all suggest that this variant is likely to be disruptive. The variant allele was found at a frequency of 4.8e-05 in 251492 control chromosomes (gnomAD). This frequency is not significantly higher than estimated for a pathogenic variant in GNE causing GNE myopathy (4.8e-05 vs 0.0011), allowing no conclusion about variant significance. c.1664C>T has been observed in multiple individuals affected with GNE myopathy (Liewluck_2006, Sim_2013, Lv_2022). These data indicate that the variant is very likely to be associated with disease. At least one publication reports experimental evidence evaluating an impact on protein function. The most pronounced variant effect results in <10% of normal activity (Noguchi_2004). The following publications have been ascertained in the context of this evaluation (PMID: 16810679, 35138478, 14707127, 23549799). ClinVar contains an entry for this variant (Variation ID: 424619). Based on the evidence outlined above, the variant was classified as pathogenic.

Labcorp Genetics (formerly Invitae), Labcorp
Classification: Pathogenic for Sialuria; GNE myopathy. Last evaluated: 2025-04-14. Review status: criteria provided, single submitter. Criteria: Invitae Variant Classification Sherloc (09022015). Collection method: clinical testing. Allele origin: germline.
Comment: This sequence change replaces alanine, which is neutral and non-polar, with valine, which is neutral and non-polar, at codon 555 of the GNE protein (p.Ala555Val). This variant is present in population databases (rs764698870, gnomAD 0.02%). This missense change has been observed in individuals with autosomal recessive GNE myopathy (PMID: 14707127, 16810679, 23549799). It has also been observed to segregate with disease in related individuals. This variant is also known as A524V, 1571C>T, and 1622C>T. ClinVar contains an entry for this variant (Variation ID: 424619). Invitae Evidence Modeling of protein sequence and biophysical properties (such as structural, functional, and spatial information, amino acid conservation, physicochemical variation, residue mobility, and thermodynamic stability) has been performed for this missense variant. However, the output from this modeling did not meet the statistical confidence thresholds required to predict the impact of this variant on GNE protein function. Experimental studies have shown that this missense change affects GNE function (PMID: 14707127). For these reasons, this variant has been classified as Pathogenic.

Mayo Clinic Laboratories, Mayo Clinic
Classification: Pathogenic. Last evaluated: 2024-12-18. Review status: criteria provided, single submitter. Criteria: ACMG Guidelines, 2015. Collection method: clinical testing. Allele origin: germline. Observed: 1 variant allele.
Comment: PP3_moderate, PM1_supporting, PM2_supporting, PM3_strong, PS3, PS4_moderate

Fulgent Genetics
Classification: Pathogenic for Sialuria; GNE myopathy; Thrombocytopenia 12 with or without myopathy. Last evaluated: 2024-06-20. Review status: criteria provided, single submitter. Criteria: ACMG Guidelines, 2015. Collection method: clinical testing. Allele origin: germline.

Baylor Genetics
Classification: Pathogenic for GNE myopathy. Last evaluated: 2024-03-24. Review status: criteria provided, single submitter. Criteria: ACMG Guidelines, 2015. Collection method: clinical testing. Allele origin: unknown.

Revvity Omics, Revvity
Classification: Pathogenic. Last evaluated: 2023-03-16. Review status: criteria provided, single submitter. Criteria: ACMG Guidelines, 2015. Collection method: clinical testing. Allele origin: germline.

Fulgent Genetics
Classification: Likely pathogenic for Sialuria; GNE myopathy. Last evaluated: 2018-10-31. Review status: criteria provided, single submitter. Criteria: ACMG Guidelines, 2015. Collection method: clinical testing. Allele origin: unknown.

GenePathDx, GenePath diagnostics
Classification: Pathogenic for Nonaka myopathy / Inclusion body myopathy 2. Last evaluated: 2017-03-01. Review status: criteria provided, single submitter. Criteria: GenePathDx_Criteria_classificationV2. Collection method: clinical testing. Allele origin: germline. Inheritance: Autosomal recessive inheritance. Affected: yes. Observed: 1 variant allele.
Comment: The weakness appears to be more in distal areas than proximal limb and lower limb is affected more than upper limbs. Next generation DNA sequencing of peripheral blood sample has revealed the presence of two pathogenic variants c.2086 G>A and c.1571C>T in the GNE gene consistent with the diagnosis of Nonaka myopathy or inclusion body myopathy 2/ distal myopathy with rimmed vacuoles.

Neuberg Centre For Genomic Medicine, NCGM
Classification: Pathogenic for GNE myopathy. Review status: criteria provided, single submitter. Criteria: ACMG Guidelines, 2015. Collection method: clinical testing. Allele origin: germline. Inheritance: Autosomal recessive inheritance. Affected: yes.
Comment: This variant is also known as c.1664C>T (p.Ala555Val) [NM_001128227.3]. Experimental studies have shown that this missense change affects GNE function (Noguchi S, et al., 2004).

Counsyl
Classification: Pathogenic for GNE myopathy. Last evaluated: 2018-01-16. Review status: no assertion criteria provided. Collection method: clinical testing. Allele origin: unknown. Not counted in ClinVar's aggregate classification.

GeneReviews
No classification provided. Condition: GNE myopathy. Review status: no classification provided. Collection method: literature only. Allele origin: germline. Not counted in ClinVar's aggregate classification.

Literature cited by the submitters: PubMed 27858732 (cited by Natera, Inc.); PubMed 16810679 (cited by 5 submitters); PubMed 14707127 (cited by 5 submitters); PubMed 12409274 (cited by 3 submitters); PubMed 35138478 (cited by Women's Health and Genetics/Laboratory Corporation of America, LabCorp); PubMed 23549799 (cited by 3 submitters); PubMed 27363342 (cited by Mayo Clinic Laboratories, Mayo Clinic); PubMed 31286697 (cited by Mayo Clinic Laboratories, Mayo Clinic); PubMed 33250842 (cited by Mayo Clinic Laboratories, Mayo Clinic); PubMed 25986339 (cited by Counsyl); PubMed 24027297 (cited by Counsyl); PubMed 18555875 (cited by Counsyl); PubMed 28320138 (cited by GeneReviews); PubMed 26231298 (cited by GeneReviews); PubMed 20301439 (cited by GeneReviews).

NM_005476.7(GNE):c.1571C>T (p.Ala524Val)

Gene: GNE (glucosamine (UDP-N-acetyl)-2-epimerase/N-acetylmannosamine kinase; minus strand). Cytogenetic location: 9p13.3.
Variant type: single nucleotide variant.
Coding change: c.1571C>T on transcript NM_005476.7 (MANE Select); coding-DNA position 1571, C replaced by T.
Protein change: p.Ala524Val; replaces alanine 524 with valine.
Molecular consequence: missense variant. On other transcripts: intron variant (1).
Genome position (GRCh38, 1-based): chr9:36,222,839, G>A on the plus strand (C>T on the coding strand, the complement: GNE is on the minus strand). VCF-style: chr9-36222839-G-A. GRCh37 (hg19) VCF-style: chr9-36222836-G-A.
Other names: p.Ala555Val; c.1664C>T, p.Ala555Val (NM_001128227.3); c.1241C>T, p.Ala414Val (NM_001190384.3); c.1394C>T, p.Ala465Val (NM_001190388.2, NM_001374798.1); c.1418C>T, p.Ala473Val (NM_001374797.1); c.1411+534C>T (NM_001190383.3); short protein forms A524V, A555V, A414V, A465V, A473V.
Identifiers: ClinVar variation 424619 (VCV000424619.31), dbSNP rs764698870, ClinGen allele CA5056466.